The following is an entry in ClinVar:

NM_032119.4(ADGRV1):c.3794A>G (p.Tyr1265Cys)

Gene: ADGRV1 (adhesion G protein-coupled receptor V1; plus strand). Cytogenetic location: 5q14.3.
Variant type: single nucleotide variant.
Coding change: c.3794A>G on transcript NM_032119.4 (MANE Select); coding-DNA position 3794, A replaced by G.
Protein change: p.Tyr1265Cys; replaces tyrosine 1265 with cysteine.
Molecular consequence: missense variant. On other transcripts: non-coding transcript variant (1).
Genome position (GRCh38, 1-based): chr5:90,653,368, A>G. VCF-style: chr5-90653368-A-G. GRCh37 (hg19) VCF-style: chr5-89949185-A-G.
Other names: short protein forms Y1265C.
Identifiers: ClinVar variation 1500926 (VCV001500926.3), dbSNP rs1768919238, ClinGen allele CA360399090.

ClinVar aggregate classification (germline): Uncertain significance (1 of 4 stars; one submission).

Allele frequency attached by ClinVar (database versions not stated): TOPMed 0.00001.

Submission:

Labcorp Genetics (formerly Invitae), Labcorp
Classification: Uncertain significance. Last evaluated: 2021-11-22. Review status: criteria provided, single submitter. Criteria: Invitae Variant Classification Sherloc (09022015). Collection method: clinical testing. Allele origin: germline.
Comment: This sequence change replaces tyrosine, which is neutral and polar, with cysteine, which is neutral and slightly polar, at codon 1265 of the ADGRV1 protein (p.Tyr1265Cys). This variant is not present in population databases (gnomAD no frequency). This variant has not been reported in the literature in individuals affected with ADGRV1-related conditions. Algorithms developed to predict the effect of missense changes on protein structure and function are either unavailable or do not agree on the potential impact of this missense change (SIFT: "Deleterious"; PolyPhen-2: "Probably Damaging"; Align-GVGD: "Class C15"). In summary, the available evidence is currently insufficient to determine the role of this variant in disease. Therefore, it has been classified as a Variant of Uncertain Significance.